The following is an entry in ClinVar:

NM_001243133.2(NLRP3):c.-72G>A

Gene: NLRP3 (NLR family pyrin domain containing 3; plus strand). Cytogenetic location: 1q44.
Variant type: single nucleotide variant.
Coding change: c.-72G>A on transcript NM_001243133.2 (MANE Select); 72 bases upstream of the start codon, G replaced by A.
Molecular consequence: 5 prime UTR variant. On other transcripts: intron variant (1).
Genome position (GRCh38, 1-based): chr1:247,418,729, G>A. VCF-style: chr1-247418729-G-A. GRCh37 (hg19) VCF-style: chr1-247582031-G-A.
Other names: c.-72G>A (NM_001127461.3, NM_001127462.3, NM_183395.3); c.-66G>A (NM_004895.5); c.-44-28G>A (NM_001079821.3).
Identifiers: ClinVar variation 810996 (VCV000810996.8), dbSNP rs200386207, ClinGen allele CA40685288.

ClinVar aggregate classification (germline): Uncertain significance (1 of 4 stars; one submission).

Allele frequency attached by ClinVar (database versions not stated): TOPMed 0.00006 and 0.00005; gnomAD 0.00003 and 0.00005.
gnomAD v4.1: 75 of 1,571,220 alleles (0.0048%); highest among the groups gnomAD compares: Non-Finnish European, 0.0057%; no homozygotes.

Submission:

ARUP Laboratories, Molecular Genetics and Genomics, ARUP Laboratories
Classification: Uncertain significance. Last evaluated: 2018-12-18. Review status: criteria provided, single submitter. Criteria: ARUP Molecular Germline Variant Investigation Process. Collection method: clinical testing. Allele origin: germline.
Comment: The NLRP3 c.-66G>A variant (rs200386207), to our knowledge, is not reported in the medical literature or gene-specific databases. The variant is also absent from general population databases (1000 Genomes Project, Exome Variant Server, and Genome Aggregation Database), indicating it is not a common polymorphism. This variant introduces a novel ATG translational start codon that, if utilized, would result in a translational stop 8 amino acids downstream. Pathogenic NLRP3 variants are gain of function, so if this alternative translational start were utilized, this variant would not be consistent with the pathogenic mechanism. However, this information is insufficient to assume the variant is benign. Therefore, the clinical significance of this variant cannot be determined with certainty.